The following is an entry in ClinVar:

NM_002519.3(NPAT):c.4075T>C (p.Phe1359Leu)

Gene: NPAT (nuclear protein, coactivator of histone transcription; minus strand). Cytogenetic location: 11q22.3.
Variant type: single nucleotide variant.
Coding change: c.4075T>C on transcript NM_002519.3 (MANE Select); coding-DNA position 4075, T replaced by C.
Protein change: p.Phe1359Leu; replaces phenylalanine 1359 with leucine.
Molecular consequence: missense variant.
Genome position (GRCh38, 1-based): chr11:108,161,011, A>G on the plus strand (T>C on the coding strand, the complement: NPAT is on the minus strand). VCF-style: chr11-108161011-A-G. GRCh37 (hg19) VCF-style: chr11-108031738-A-G.
Other names: c.4096T>C, p.Phe1366Leu (NM_001321307.1); short protein forms F1359L, F1366L.
Identifiers: ClinVar variation 1737581 (VCV001737581.2), dbSNP rs1279378223, ClinGen allele CA382509425.

ClinVar aggregate classification (germline): Uncertain significance (1 of 4 stars; one submission).

Submission:

Ambry Genetics
Classification: Uncertain significance. Last evaluated: 2021-09-20. Review status: criteria provided, single submitter. Criteria: Ambry Variant Classification Scheme 2023. Collection method: clinical testing. Allele origin: germline.
Comment: The p.F1359L variant (also known as c.4075T>C), located in coding exon 17 of the NPAT gene, results from a T to C substitution at nucleotide position 4075. The phenylalanine at codon 1359 is replaced by leucine, an amino acid with highly similar properties. This amino acid position is conserved. In addition, this alteration is predicted to be tolerated by in silico analysis. Since supporting evidence is limited at this time, the clinical significance of this alteration remains unclear.